The following is an entry in ClinVar:

ClinVar aggregate classification (germline): Likely pathogenic (1 of 4 stars; one submission).

Allele frequency attached by ClinVar (database versions not stated): gnomAD exomes below 0.00001 and 0.00001.
gnomAD v4.1: 3 of 1,548,408 alleles (0.00019%); highest among the groups gnomAD compares: South Asian, 0.0024%; no homozygotes.

Submission:

Labcorp Genetics (formerly Invitae), Labcorp
Classification: Likely pathogenic. Last evaluated: 2022-06-27. Review status: criteria provided, single submitter. Criteria: Invitae Variant Classification Sherloc (09022015). Collection method: clinical testing. Allele origin: germline.
Comment: Algorithms developed to predict the effect of sequence changes on RNA splicing suggest that this variant may disrupt the consensus splice site. This variant has not been reported in the literature in individuals affected with LOXHD1-related conditions. The frequency data for this variant in the population databases is considered unreliable, as metrics indicate poor data quality at this position in the gnomAD database. This sequence change affects an acceptor splice site in intron 37 of the LOXHD1 gene. It is expected to disrupt RNA splicing. Variants that disrupt the donor or acceptor splice site typically lead to a loss of protein function (PMID: 16199547), and loss-of-function variants in LOXHD1 are known to be pathogenic (PMID: 19732867, 21465660, 25792669). In summary, the currently available evidence indicates that the variant is pathogenic, but additional data are needed to prove that conclusively. Therefore, this variant has been classified as Likely Pathogenic.

Literature cited by the submitters: PubMed 16199547; PubMed 19732867; PubMed 21465660; PubMed 25792669.

NM_001384474.1(LOXHD1):c.6050-2A>G

Gene: LOXHD1 (lipoxygenase homology PLAT domains 1; minus strand). Cytogenetic location: 18q21.1.
Variant type: single nucleotide variant.
Coding change: c.6050-2A>G on transcript NM_001384474.1 (MANE Select); the canonical splice acceptor site of the intron before coding-DNA position 6050, A replaced by G.
Molecular consequence: splice acceptor variant.
Genome position (GRCh38, 1-based): chr18:46,485,153, T>C on the plus strand (A>G on the coding strand, the complement: LOXHD1 is on the minus strand). VCF-style: chr18-46485153-T-C. GRCh37 (hg19) VCF-style: chr18-44065116-T-C.
Other names: c.2717-2A>G (NM_001145472.3); c.2429-2A>G (NM_001308013.2); c.767-2A>G (NM_001173129.2, NM_001145473.3); c.5864-2A>G (NM_144612.7).
Identifiers: ClinVar variation 1523544 (VCV001523544.8), dbSNP rs1258811765, ClinGen allele CA402366485.